The following is an entry in ClinVar:

NM_080916.3(DGUOK):c.787_789del (p.Gln263del)

Genes: DGUOK (deoxyguanosine kinase; plus strand), DGUOK-AS1 (DGUOK antisense RNA 1; minus strand). Cytogenetic location: 2p13.1.
Variant type: Deletion.
Coding change: c.787_789del on transcript NM_080916.3 (MANE Select); coding-DNA positions 787 to 789, 3 bases deleted (CAA; older notation c.787_789delCAA).
Protein change: p.Gln263del; deletes glutamine 263.
Molecular consequence: inframe deletion. On other transcripts: non-coding transcript variant (6).
Genome position (GRCh38, 1-based): chr2:73,958,225-73,958,227, CAA deleted; deleting any 3 consecutive bases within chr2:73,958,223-73,958,227 gives the same sequence; the c. name uses the placement nearest the transcript's 3' end. VCF-style (leftmost placement, unchanged base first): chr2-73958222-AAAC-A. GRCh37 (hg19) VCF-style: chr2-74185349-AAAC-A.
Other names: c.523_525del, p.Gln175del (NM_080918.3); c.505_507del, p.Gln169del (NM_001318859.2); c.496_498del, p.Gln166del (NM_001318860.2, NM_001318861.2); c.478_480del, p.Gln160del (NM_001318862.2, NM_001318863.2); short protein forms Q169del, Q263del, Q160del, Q166del, Q175del.
Identifiers: ClinVar variation 2843953 (VCV002843953.3), dbSNP rs2467093059, ClinGen allele CA2739271119.

ClinVar aggregate classification (germline): Uncertain significance (1 of 4 stars; one submission).

Submission:

Labcorp Genetics (formerly Invitae), Labcorp
Classification: Uncertain significance. Last evaluated: 2023-08-06. Review status: criteria provided, single submitter. Criteria: Invitae Variant Classification Sherloc (09022015). Collection method: clinical testing. Allele origin: germline.
Comment: In summary, the available evidence is currently insufficient to determine the role of this variant in disease. Therefore, it has been classified as a Variant of Uncertain Significance. This variant, c.787_789del, results in the deletion of 1 amino acid(s) of the DGUOK protein (p.Gln263del), but otherwise preserves the integrity of the reading frame. This variant is not present in population databases (gnomAD no frequency). This variant has not been reported in the literature in individuals affected with DGUOK-related conditions. Experimental studies and prediction algorithms are not available or were not evaluated, and the functional significance of this variant is currently unknown.